The following is an entry in ClinVar:

NM_006662.3(SRCAP):c.5944C>T (p.Pro1982Ser)

Gene: SRCAP (Snf2 related CREBBP activator protein; plus strand). Cytogenetic location: 16p11.2.
Variant type: single nucleotide variant.
Coding change: c.5944C>T on transcript NM_006662.3 (MANE Select); coding-DNA position 5944, C replaced by T.
Protein change: p.Pro1982Ser; replaces proline 1982 with serine.
Molecular consequence: missense variant.
Genome position (GRCh38, 1-based): chr16:30,729,389, C>T. VCF-style: chr16-30729389-C-T. GRCh37 (hg19) VCF-style: chr16-30740710-C-T.
Other names: short protein forms P1982S.
Identifiers: ClinVar variation 2973479 (VCV002973479.5), dbSNP rs754107047, ClinGen allele CA8012118.
Genomic context (GRCh38, chr16:30,729,389, plus strand): 5'-AGAGTCCCATCTTTTACACTGCCTGCTTCTTCCTTTCACAGGTTCATCTTTGTCATGCCT[C>T]CTGTGGAGGCACCTCCCCCTTCCCTGCATGCCTGCCACCCACCTCCTTGGCTGGCCCCAC-3'
Protein context (NP_006653.2, residues 1972-1992): IIERFIFVMP[Pro1982Ser]VEAPPPSLHA

ClinVar aggregate classification (germline): Uncertain significance. Review status: criteria provided, multiple submitters, no conflicts (2 of 4 stars). 3 submissions from 3 submitters: Uncertain significance (3). Last evaluated 2025-10-06.

Conditions:
Developmental delay, hypotonia, musculoskeletal defects, and behavioral abnormalities. Identifiers: MedGen C5562012, MONDO:0859202, OMIM 619595.
Floating-Harbor syndrome (FLHS). Also called: SRCAP-Related Floating-Harbor Syndrome; Short stature with delayed bone age, expressive language delay, a triangular face with a prominent nose and deep-set eyes; Pelletier-Leisti syndrome. Identifiers: Orphanet 2044, MedGen C0729582, MONDO:0007621, OMIM 136140.

Allele frequency attached by ClinVar (database versions not stated): ExAC 0.00001; gnomAD exomes 0.00001; TOPMed 0.00001; gnomAD 0.00002.
gnomAD v4.1: 15 of 1,614,018 alleles (0.00093%); highest among the groups gnomAD compares: African/African-American, 0.0027%; no homozygotes.

Submissions (3):

Women's Health and Genetics/Laboratory Corporation of America, LabCorp
Classification: Uncertain significance. Last evaluated: 2025-10-06. Review status: criteria provided, single submitter. Criteria: LabCorp Variant Classification Summary - May 2015. Collection method: clinical testing. Allele origin: germline.
Comment: Variant summary: SRCAP c.5944C>T (p.Pro1982Ser) results in a non-conservative amino acid change in the encoded protein sequence. Algorithms developed to predict the effect of missense changes on protein structure and function all suggest that this variant is likely to be disruptive. The variant allele was found at a frequency of 4e-06 in 251196 control chromosomes. The available data on variant occurrences in the general population are insufficient to allow any conclusion about variant significance. To our knowledge, no occurrence of c.5944C>T in individuals affected with SRCAP-related conditions and no experimental evidence demonstrating its impact on protein function have been reported. ClinVar contains an entry for this variant (Variation ID: 2973479). Based on the evidence outlined above, the variant was classified as uncertain significance.

Fulgent Genetics
Classification: Uncertain significance for Floating-Harbor syndrome; Developmental delay, hypotonia, musculoskeletal defects, and behavioral abnormalities. Last evaluated: 2024-04-04. Review status: criteria provided, single submitter. Criteria: ACMG Guidelines, 2015. Collection method: clinical testing. Allele origin: germline.

Labcorp Genetics (formerly Invitae), Labcorp
Classification: Uncertain significance. Last evaluated: 2022-12-25. Review status: criteria provided, single submitter. Criteria: Invitae Variant Classification Sherloc (09022015). Collection method: clinical testing. Allele origin: germline.
Comment: This sequence change replaces proline, which is neutral and non-polar, with serine, which is neutral and polar, at codon 1982 of the SRCAP protein (p.Pro1982Ser). This variant is present in population databases (rs754107047, gnomAD 0.007%). This variant has not been reported in the literature in individuals affected with SRCAP-related conditions. Algorithms developed to predict the effect of missense changes on protein structure and function (SIFT, PolyPhen-2, Align-GVGD) all suggest that this variant is likely to be disruptive. In summary, the available evidence is currently insufficient to determine the role of this variant in disease. Therefore, it has been classified as a Variant of Uncertain Significance.